The following is an entry in ClinVar:

NM_007294.4(BRCA1):c.124A>C (p.Ile42Leu)

Gene: BRCA1 (BRCA1 DNA repair associated; minus strand). Cytogenetic location: 17q21.31.
Variant type: single nucleotide variant.
Coding change: c.124A>C on transcript NM_007294.4 (MANE Select); coding-DNA position 124, A replaced by C.
Protein change: p.Ile42Leu; replaces isoleucine 42 with leucine.
Molecular consequence: missense variant. On other transcripts: non-coding transcript variant (1), intron variant (1).
Genome position (GRCh38, 1-based): chr17:43,115,736, T>G on the plus strand (A>C on the coding strand, the complement: BRCA1 is on the minus strand). VCF-style: chr17-43115736-T-G. GRCh37 (hg19) VCF-style: chr17-41267753-T-G.
Other names: c.-65A>C (NM_001407571.1, NM_001407853.1, NM_001407879.1 and 52 more transcripts); c.124A>C, p.Ile42Leu (NM_001407581.1, NM_001407582.1, NM_001407583.1 and 192 more transcripts); c.-134A>C (NM_001407694.1, NM_001407696.1, NM_001407724.1 and 13 more transcripts); c.-138A>C (NM_001407695.1, NM_001408465.1); c.-18A>C (NM_001407697.1, NM_001407725.1, NM_001407728.1 and 47 more transcripts); c.-14A>C (NM_001407841.1); c.-181A>C (NM_001407889.1, NM_001407900.1, NM_001408492.1); c.-180A>C (NM_001407960.1, NM_001407962.1, NM_001408510.1 and 1 more transcripts); and 2 more; short protein forms I42L.
Identifiers: ClinVar variation 422425 (VCV000422425.13), dbSNP rs80357163, ClinGen allele CA10601911.
Genomic context (GRCh38, chr17:43,115,736, plus strand): 5'-GGACAAAAACAAAAGCTAATAATGGAGCCACATAACACATTCAAACTTACTTGCAAAATA[T>G]GTGGTCACACTTTGTGGAGACAGGTTCCTTGATCAACTCCAGACTAGCAGGGTAGGGGGG-3'
Protein context (NP_009225.1, residues 32-52): KEPVSTKCDH[Ile42Leu]FCKFCMLKLL

ClinVar aggregate classification (germline): Conflicting classifications of pathogenicity. Review status: criteria provided, conflicting classifications (1 of 4 stars). 7 submissions from 7 submitters: Uncertain significance (5); Likely benign (2). Last evaluated 2024-12-22.

Conditions:
Hereditary cancer-predisposing syndrome. Also called: Neoplastic Syndromes, Hereditary; Hereditary neoplastic syndrome; Tumor predisposition; Hereditary Cancer Syndrome. Identifiers: Orphanet 140162, MedGen C0027672, MeSH D009386, MONDO:0015356.
Hereditary breast ovarian cancer syndrome. Also called: Hereditary breast and ovarian cancer syndrome (HBOC); BRCA1- and BRCA2-Associated Hereditary Breast and Ovarian Cancer; Hereditary breast and/or ovarian cancer syndrome; Hereditary breast and ovarian cancer syndrome; Hereditary breast and ovarian cancer; Breast and ovarian cancer. Identifiers: Orphanet 145, MedGen C0677776, MeSH D061325, MONDO:0003582. Disease mechanism: loss of function.
BRCA1-related cancer predisposition. Identifiers: MedGen CN377757, MONDO:0700268.
Breast-ovarian cancer, familial, susceptibility to, 1 (BROVCA1). Also called: BRCA1 Hereditary Breast and Ovarian Cancer; OVARIAN CANCER, SUSCEPTIBILITY TO. Identifiers: Orphanet 145, MedGen C2676676, MONDO:0011450, OMIM 604370. Disease mechanism: loss of function.

Submissions (8):

Labcorp Genetics (formerly Invitae), Labcorp
Classification: Uncertain significance for Hereditary breast ovarian cancer syndrome. Last evaluated: 2024-12-22. Review status: criteria provided, single submitter. Criteria: Invitae Variant Classification Sherloc (09022015). Collection method: clinical testing. Allele origin: germline.
Comment: This sequence change replaces isoleucine, which is neutral and non-polar, with leucine, which is neutral and non-polar, at codon 42 of the BRCA1 protein (p.Ile42Leu). This variant is not present in population databases (gnomAD no frequency). This variant has not been reported in the literature in individuals affected with BRCA1-related conditions. ClinVar contains an entry for this variant (Variation ID: 422425). Invitae Evidence Modeling incorporating data from in vitro experimental studies (PMID: 30209399) indicates that this missense variant is not expected to disrupt BRCA1 function with a negative predictive value of 95%. In summary, the available evidence is currently insufficient to determine the role of this variant in disease. Therefore, it has been classified as a Variant of Uncertain Significance.

All of Us Research Program, National Institutes of Health
Classification: Uncertain significance for BRCA1-related cancer predisposition. Last evaluated: 2024-08-06. Review status: criteria provided, single submitter. Criteria: ACMG Guidelines, 2015. Collection method: clinical testing. Allele origin: germline. Inheritance: Autosomal dominant inheritance. Observed: 2 variant alleles, 2 heterozygotes.
Comment: This missense variant replaces isoleucine with leucine at codon 42 of the BRCA1 protein. Computational prediction is inconclusive regarding the impact of this variant on protein structure and function. unctional studies have reported that this variant does not impact BRCA1 function in a haploid cell proliferation, a yeast and a mammalian two-hybrid BARD1 binding and an E3 ubiquitin ligase assay (PMID: 25823446, 30209399, 35659930). To our knowledge, this variant has not been reported in individuals affected with BRCA1-related disorders in the literature. This variant has not been identified in the general population by the Genome Aggregation Database (gnomAD). The available evidence is insufficient to determine the role of this variant in disease conclusively. Therefore, this variant is classified as a Variant of Uncertain Significance.

This study involves interpretation of variants in research participants for the purpose of population health screening. Participant phenotype was not available at the time of variant classification. Additional details can be found in publication PMID: 35346344, PMCID: PMC8962531

Color Diagnostics, LLC DBA Color Health
Classification: Uncertain significance for Hereditary cancer-predisposing syndrome. Last evaluated: 2024-05-09. Review status: criteria provided, single submitter. Criteria: ACMG Guidelines, 2015. Collection method: clinical testing. Allele origin: germline.
Comment: This missense variant replaces isoleucine with leucine at codon 42 of the BRCA1 protein. Computational prediction is inconclusive regarding the impact of this variant on protein structure and function. unctional studies have reported that this variant does not impact BRCA1 function in a haploid cell proliferation, a yeast and a mammalian two-hybrid BARD1 binding and an E3 ubiquitin ligase assay (PMID: 25823446, 30209399, 35659930). To our knowledge, this variant has not been reported in individuals affected with BRCA1-related disorders in the literature. This variant has not been identified in the general population by the Genome Aggregation Database (gnomAD). The available evidence is insufficient to determine the role of this variant in disease conclusively. Therefore, this variant is classified as a Variant of Uncertain Significance.

Lupski Lab, Baylor-Hopkins CMG, Baylor College of Medicine
Classification: Likely benign for Breast-ovarian cancer, familial, susceptibility to, 1. Last evaluated: 2024-04-12. Review status: criteria provided, single submitter. Criteria: Dawood et al. (medRxiv. 2024). Collection method: curation. Allele origin: germline.
Comment: Each variant was annotated with functional scores from MAVE data which was translated into functional evidence codes. All other evidence codes and combining criteria were adhered to as closely as possible based on the ClinGen VCEP (Variant Curation Expert Panel) gene-specific recommendations. See Supplemental Figure 34 of final paper (Supp Fig. 28 in preprint: doi:10.1101/2024.04.11.24305690) for a table to see which lines of evidence we did not have data for. The ClinGen VCEPs are highly regarded as the gold-standard for gene-specific variant curation and are developed after extensive evaluation of the evidence by clinical and scientific experts for the particular gene to classify genomic variants on a spectrum from pathogenic to benign using the 2015 ACMG/AMP Variant Interpretation Guidelines as a backbone (PMID: 25741868). Reclassification of these VUS variants from gnomAD or All of Us focused only on variants originally prescribed as VUS in ClinVar. To ensure reproducibility, transparency, and increased throughput, all the procedures for annotating variants and assigning evidence codes were codified using Python. All code has been made freely available and is linked in the Code Availability section and all reclassified variants with evidence codes used can be found in Tables S18-19 (preprint: doi:10.1101/2024.04.11.24305690). For the MAVE data, the clinical curation and clinical strength assignment as per the ClinGen recommendations in Brnich et al. (2020) (PMID: 31892348) for or against pathogenicity or benignity of each of these MAVE datasets utilized in this study were previously published in Fayer et al. (2021) (PMID: 34793697).In brief, for BRCA1 variants, if a variant was categorized as FUNC (functional), it was assigned BS3 evidence and no PS3 evidence, whereas if it was categorized as LOF (loss of function), the variant was assigned PS3 evidence and no BS3 evidence. Variants categorized as INT (intermediate) were left unannotated. For the BRCA1 combining criteria, greater than or equal to 1 criteria of strong benign evidence was enough to reclassify the VUS as Likely Benign. This variant GRCh38:17:43115736:T>G was assigned evidence codes ['BS3'] and an overall classification of Likely benign

Ambry Genetics
Classification: Likely benign for Hereditary cancer-predisposing syndrome. Last evaluated: 2021-05-28. Review status: criteria provided, single submitter. Criteria: Ambry Variant Classification Scheme 2023. Collection method: clinical testing. Allele origin: germline.

Quest Diagnostics Nichols Institute San Juan Capistrano
Classification: Uncertain significance. Last evaluated: 2019-11-22. Review status: criteria provided, single submitter. Criteria: Quest Diagnostics criteria. Collection method: clinical testing. Allele origin: unknown.

GeneDx
Classification: Uncertain significance. Last evaluated: 2016-10-05. Review status: criteria provided, single submitter. Criteria: GeneDx Variant Classification (06012015). Collection method: clinical testing. Allele origin: germline. Affected: yes.
Comment: This variant is denoted BRCA1 c.124A>C at the cDNA level, p.Ile42Leu (I42L) at the protein level, and results in the change of an Isoleucine to a Leucine (ATA>CTA). Using alternate nomenclature, this variant would be defined as BRCA1 243A>C. This variant was observed in a pediatric patient with T-cell acute lymphoblastic leukemia (Zhang 2015). BRCA1 Ile42Leu was not observed in approximately 6,500 individuals of European and African American ancestry in the NHLBI Exome Sequencing Project, suggesting it is not a common benign variant in these populations. Since Isoleucine and Leucine share similar properties, this is considered a conservative amino acid substitution. BRCA1 Ile42Leu occurs at a position that is conserved in mammals and is located within the RING domain as well as the BRD7 and BARD1 binding domains (Narod, 2004, Borg 2010, Harte 2010, Paul 2014). In silico analyses are inconsistent regarding the effect this variant may have on protein structure and function. Based on currently available evidence, it is unclear whether BRCA1 Ile42Leu is a pathogenic or benign variant. We consider it to be a variant of uncertain significance.

Brotman Baty Institute, University of Washington
No classification provided (evidence only). Condition: Breast-ovarian cancer, familial 1. Review status: no classification provided. Collection method: in vitro. Allele origin: not applicable. Functional consequence: functionally_normal. Not counted in ClinVar's aggregate classification.
ClinVar note: "not provided" was previously submitted as the classification for the variant. However, the classification appeared to be based only on an observation of functional data so it was converted to no classification on 2025-07-30.

Literature cited by the submitters: PubMed 30209399 (cited by 3 submitters); PubMed 25823446 (cited by All of Us Research Program, National Institutes of Health and Color Diagnostics, LLC DBA Color Health); PubMed 35659930 (cited by All of Us Research Program, National Institutes of Health and Color Diagnostics, LLC DBA Color Health); PubMed 39142283 (cited by Lupski Lab, Baylor-Hopkins CMG, Baylor College of Medicine); PubMed 34793697 (cited by Lupski Lab, Baylor-Hopkins CMG, Baylor College of Medicine); DOI 10.1101/2024.04.11.24305690 (cited by Lupski Lab, Baylor-Hopkins CMG, Baylor College of Medicine); PubMed 30219179 (cited by Quest Diagnostics Nichols Institute San Juan Capistrano).